The following is an entry in ClinVar:

ClinVar aggregate classification (germline): Likely benign (0 of 4 stars; one submission).

Conditions:
DYRK1B-related disorder. Also called: DYRK1B-related condition.

gnomAD v4.1: 6 of 1,613,546 alleles (0.00037%); highest among the groups gnomAD compares: Non-Finnish European, 0.00051%; no homozygotes.

Submission:

PreventionGenetics, part of Exact Sciences
Classification: Likely benign for DYRK1B-related condition. Last evaluated: 2022-12-12. Review status: no assertion criteria provided. Collection method: clinical testing. Allele origin: germline.
Comment: This variant is classified as likely benign based on ACMG/AMP sequence variant interpretation guidelines (Richards et al. 2015 PMID: 25741868, with internal and published modifications).

NM_004714.3(DYRK1B):c.372+10A>T

Gene: DYRK1B (dual specificity tyrosine phosphorylation regulated kinase 1B; minus strand). Cytogenetic location: 19q13.2.
Variant type: single nucleotide variant.
Coding change: c.372+10A>T on transcript NM_004714.3 (MANE Select); 10 bases into the intron after coding-DNA position 372, A replaced by T.
Molecular consequence: intron variant.
Genome position (GRCh38, 1-based): chr19:39,830,365, T>A on the plus strand (A>T on the coding strand, the complement: DYRK1B is on the minus strand). VCF-style: chr19-39830365-T-A. GRCh37 (hg19) VCF-style: chr19-40321005-T-A.
Other names: c.372+10A>T (NM_006483.3, NM_006484.3).
Identifiers: ClinVar variation 3354318 (VCV003354318.1).